The following is an entry in ClinVar:

NM_005343.4(HRAS):c.11A>C (p.Tyr4Ser)

Genes: LRRC56 (leucine rich repeat containing 56; plus strand), HRAS (HRas proto-oncogene, GTPase; minus strand). Cytogenetic location: 11p15.5.
Variant type: single nucleotide variant.
Coding change: c.11A>C on transcript NM_005343.4 (MANE Select); coding-DNA position 11, A replaced by C.
Protein change: p.Tyr4Ser; replaces tyrosine 4 with serine.
Molecular consequence: missense variant. On other transcripts: 5 prime UTR variant (1).
Genome position (GRCh38, 1-based): chr11:534,312, T>G on the plus strand (A>C on the coding strand, the complement: HRAS is on the minus strand). VCF-style: chr11-534312-T-G. GRCh37 (hg19) VCF-style: chr11-534312-T-G.
Other names: c.11A>C, p.Tyr4Ser (NM_001130442.3, NM_176795.5); c.-309A>C (NM_001318054.2); short protein forms Y4S.
Identifiers: ClinVar variation 1398020 (VCV001398020.9), dbSNP rs764622691, ClinGen allele CA378926248.

ClinVar aggregate classification (germline): Uncertain significance. Review status: criteria provided, multiple submitters, no conflicts (2 of 4 stars). 2 submissions from 2 submitters: Uncertain significance (2). Last evaluated 2023-06-05.

Conditions:
Costello syndrome (CSTLO). Also called: FCS SYNDROME; FACIOCUTANEOSKELETAL SYNDROME; HRAS-Related Costello Syndrome. Identifiers: Orphanet 3071, MedGen C0587248, MONDO:0009026, OMIM 218040.

gnomAD v4.1: 1 of 1,612,688 alleles (0.000062%); highest among the groups gnomAD compares: African/African-American, 0.0013%; no homozygotes.

Submissions (2):

Clinical Genomics Laboratory, Stanford Medicine
Classification: Uncertain significance for Costello syndrome. Last evaluated: 2023-06-05. Review status: criteria provided, single submitter. Criteria: ACMG Guidelines, 2015. Collection method: clinical testing. Allele origin: germline. Observed: 1 variant allele, 1 heterozygote.
Comment: The p.Tyr4Ser variant in the HRAS gene has not been previously reported in association with disease.This variant was absent from large population databases, including the Genome Aggregation Database. This variant is present in ClinVar (Variation ID: 1398020). The tyrosine at position 4 is evolutionarily conserved. Computational tools predict that the p.Tyr4Ser variant is deleterious; however, the accuracy of in silico algorithms is limited.These data were assessed using the ACMG/AMP variant interpretation guidelines. In summary, the significance of the p.Tyr4Ser variant is uncertain. Additional information is needed to resolve the significance of this variant. [ACMG evidence codes used: PM2; PP3]

Labcorp Genetics (formerly Invitae), Labcorp
Classification: Uncertain significance for Costello syndrome. Last evaluated: 2021-01-17. Review status: criteria provided, single submitter. Criteria: Invitae Variant Classification Sherloc (09022015). Collection method: clinical testing. Allele origin: germline.
Comment: In summary, the available evidence is currently insufficient to determine the role of this variant in disease. Therefore, it has been classified as a Variant of Uncertain Significance. Advanced modeling of protein sequence and biophysical properties (such as structural, functional, and spatial information, amino acid conservation, physicochemical variation, residue mobility, and thermodynamic stability) performed at Invitae indicates that this missense variant is expected to disrupt HRAS protein function. This variant has not been reported in the literature in individuals with HRAS-related conditions. This variant is not present in population databases (ExAC no frequency). This sequence change replaces tyrosine with serine at codon 4 of the HRAS protein (p.Tyr4Ser). The tyrosine residue is highly conserved and there is a large physicochemical difference between tyrosine and serine.